The following is an entry in ClinVar:

NM_001283009.2(RTEL1):c.31G>A (p.Val11Ile)

Genes: RTEL1 (regulator of telomere elongation helicase 1; plus strand), RTEL1-TNFRSF6B (RTEL1-TNFRSF6B readthrough (NMD candidate); plus strand). Cytogenetic location: 20q13.33.
Variant type: single nucleotide variant.
Coding change: c.31G>A on transcript NM_001283009.2 (MANE Select); coding-DNA position 31, G replaced by A.
Protein change: p.Val11Ile; replaces valine 11 with isoleucine.
Molecular consequence: missense variant. On other transcripts: non-coding transcript variant (1), intron variant (1).
Genome position (GRCh38, 1-based): chr20:63,659,433, G>A. VCF-style: chr20-63659433-G-A. GRCh37 (hg19) VCF-style: chr20-62290786-G-A.
Other names: c.31G>A, p.Val11Ile (NM_016434.4, NM_032957.5); c.-568+974G>A (NM_001283010.1); short protein forms V11I.
Identifiers: ClinVar variation 2158001 (VCV002158001.5), dbSNP rs768223828, ClinGen allele CA9964079.

ClinVar aggregate classification (germline): Conflicting classifications of pathogenicity. Review status: criteria provided, conflicting classifications (1 of 4 stars). 2 submissions from 2 submitters: Uncertain significance (1); Likely benign (1). Last evaluated 2024-12-20.

Conditions:
Inborn genetic diseases. Identifiers: MedGen C0950123, MeSH D030342.
Pulmonary fibrosis and/or bone marrow failure, Telomere-related, 3. Also called: PULMONARY FIBROSIS AND/OR BONE MARROW FAILURE SYNDROME, TELOMERE-RELATED, 3. Identifiers: Orphanet 2032, MedGen C4225346, MONDO:0014613, OMIM 616373.
Dyskeratosis congenita, autosomal recessive 5 (DKCB5). Identifiers: MedGen C3554656, MONDO:0014076, OMIM 615190.

Allele frequency attached by ClinVar (database versions not stated): gnomAD exomes below 0.00001.
gnomAD v4.1: 4 of 1,614,032 alleles (0.00025%); highest among the groups gnomAD compares: Admixed American, 0.005%; no homozygotes.

Submissions (2):

Ambry Genetics
Classification: Likely benign for Inborn genetic diseases. Last evaluated: 2024-12-20. Review status: criteria provided, single submitter. Criteria: Ambry Variant Classification Scheme 2023. Collection method: clinical testing. Allele origin: germline.

Labcorp Genetics (formerly Invitae), Labcorp
Classification: Uncertain significance for Dyskeratosis congenita, autosomal recessive 5; Pulmonary fibrosis and/or bone marrow failure, Telomere-related, 3. Last evaluated: 2024-12-02. Review status: criteria provided, single submitter. Criteria: Invitae Variant Classification Sherloc (09022015). Collection method: clinical testing. Allele origin: germline.
Comment: This sequence change replaces valine, which is neutral and non-polar, with isoleucine, which is neutral and non-polar, at codon 11 of the RTEL1 protein (p.Val11Ile). The frequency data for this variant in the population databases is considered unreliable, as metrics indicate poor data quality at this position in the gnomAD database. This variant has not been reported in the literature in individuals affected with RTEL1-related conditions. ClinVar contains an entry for this variant (Variation ID: 2158001). An algorithm developed to predict the effect of missense changes on protein structure and function outputs the following: PolyPhen-2: "Benign". The isoleucine amino acid residue is found in multiple mammalian species, which suggests that this missense change does not adversely affect protein function. In summary, the available evidence is currently insufficient to determine the role of this variant in disease. Therefore, it has been classified as a Variant of Uncertain Significance.